The following is an entry in ClinVar:

NM_000059.4(BRCA2):c.3203T>G (p.Val1068Gly)

Gene: BRCA2 (BRCA2 DNA repair associated; plus strand). Cytogenetic location: 13q13.1.
Variant type: single nucleotide variant.
Coding change: c.3203T>G on transcript NM_000059.4 (MANE Select); coding-DNA position 3203, T replaced by G.
Protein change: p.Val1068Gly; replaces valine 1068 with glycine.
Molecular consequence: missense variant.
Genome position (GRCh38, 1-based): chr13:32,337,558, T>G. VCF-style: chr13-32337558-T-G. GRCh37 (hg19) VCF-style: chr13-32911695-T-G.
Other names: c.3203T>G, p.Val1068Gly (NM_001406719.1, NM_001406720.1); short protein forms V1068G.
Identifiers: ClinVar variation 1728847 (VCV001728847.4), dbSNP rs2137494278, ClinGen allele CA387775870.

ClinVar aggregate classification (germline): Conflicting classifications of pathogenicity. Review status: criteria provided, conflicting classifications (1 of 4 stars). 2 submissions from 2 submitters: Uncertain significance (1); Likely benign (1). Last evaluated 2023-03-23.

Conditions:
Hereditary cancer-predisposing syndrome. Also called: Tumor predisposition; Neoplastic Syndromes, Hereditary; Hereditary Cancer Syndrome; Hereditary neoplastic syndrome. Identifiers: Orphanet 140162, MedGen C0027672, MeSH D009386, MONDO:0015356.

Submissions (2):

University of Washington Department of Laboratory Medicine, University of Washington
Classification: Likely benign for Hereditary cancer-predisposing syndrome. Last evaluated: 2023-03-23. Review status: criteria provided, single submitter. Criteria: Dines et al. (Genet Med. 2020). Collection method: curation. Allele origin: germline.
Comment: Missense variant in a coldspot region where missense variants are very unlikely to be pathogenic (PMID:31911673).

BRCA2 exon 11 coldspot. Reclassification based on statistical prior probability.

Ambry Genetics
Classification: Uncertain significance for Hereditary cancer-predisposing syndrome. Last evaluated: 2021-09-29. Review status: criteria provided, single submitter. Criteria: Ambry Variant Classification Scheme 2023. Collection method: clinical testing. Allele origin: germline.
Comment: The p.V1068G variant (also known as c.3203T>G), located in coding exon 10 of the BRCA2 gene, results from a T to G substitution at nucleotide position 3203. The valine at codon 1068 is replaced by glycine, an amino acid with dissimilar properties. This amino acid position is not well conserved in available vertebrate species. In addition, this alteration is predicted to be tolerated by in silico analysis. Since supporting evidence is limited at this time, the clinical significance of this alteration remains unclear.